The following is an entry in ClinVar:

ClinVar aggregate classification (germline): Likely pathogenic (1 of 4 stars; one submission).

Conditions:
Glycogen storage disease, type II (IOPD). Also called: Pompe Disease; CARDIOMEGALIA GLYCOGENICA DIFFUSA; GLYCOGENOSIS, GENERALIZED, CARDIAC FORM; GSD II; POMPE DISEASE, INFANTILE-ONSET; GLYCOGEN STORAGE DISEASE II, INFANTILE-ONSET. Identifiers: Orphanet 365, MedGen C0017921, MONDO:0009290, OMIM 232300.

Submission:

Genomenon, Inc
Classification: Likely pathogenic for Glycogen storage disease, type II. Last evaluated: 2026-07-01. Review status: criteria provided, single submitter. Criteria: Genomenon Sequence Variant Interpretation Standards - Updated. Collection method: curation. Allele origin: germline. Affected: yes.
Comment: GAA p.Arg585Met (c.1754G>T) is a missense variant that changes the amino acid at codon 585 from Arginine to Methionine. This variant has been observed in at least one proband with a GAA-related disorder in the compound heterozygous and/or homozygous state (PMID:11071489). The presence of pathogenic/likely pathogenic missense variant(s) at the same amino acid position indicates that this residue is likely important for protein function. It is absent or not present at a significant frequency in gnomAD. In silico models predict that this variant is possibly or probably damaging. In conclusion, we classify GAA p.Arg585Met (c.1754G>T) as a likely pathogenic variant.

Literature cited by the submitters: PubMed 11071489.

NM_000152.5(GAA):c.1754G>T (p.Arg585Met)

Gene: GAA (alpha glucosidase; plus strand). Cytogenetic location: 17q25.3.
Variant type: single nucleotide variant.
Coding change: c.1754G>T on transcript NM_000152.5 (MANE Select); coding-DNA position 1754, G replaced by T.
Protein change: p.Arg585Met; replaces arginine 585 with methionine.
Molecular consequence: missense variant.
Genome position (GRCh38, 1-based): chr17:80,112,100, G>T. VCF-style: chr17-80112100-G-T. GRCh37 (hg19) VCF-style: chr17-78085899-G-T.
Other names: c.1754G>T, p.Arg585Met (NM_001079803.3, NM_001079804.3, NM_001406741.1 and 1 more transcripts); short protein forms R585M.
Identifiers: ClinVar variation 4876673 (VCV004876673.1).
Genomic context (GRCh38, chr17:80,112,100, plus strand): 5'-TCTCCACACACTACAACCTGCACAACCTCTACGGCCTGACCGAAGCCATCGCCTCCCACA[G>T]GTGAGGGCCACGTCCCGCCCCACTGGGCTCTGCCCTCACAGCCTGTCCTACAAGGTTGGG-3'
Protein context (NP_000143.2, residues 575-595): YGLTEAIASH[Arg585Met]ALVKARGTRP